The following is an entry in ClinVar:

NM_001378120.1(MBD5):c.4143C>G (p.Asn1381Lys)

Gene: MBD5 (methyl-CpG binding domain protein 5; plus strand). Cytogenetic location: 2q23.1.
Variant type: single nucleotide variant.
Coding change: c.4143C>G on transcript NM_001378120.1 (MANE Select); coding-DNA position 4143, C replaced by G.
Protein change: p.Asn1381Lys; replaces asparagine 1381 with lysine.
Molecular consequence: missense variant.
Genome position (GRCh38, 1-based): chr2:148,489,775, C>G. VCF-style: chr2-148489775-C-G. GRCh37 (hg19) VCF-style: chr2-149247344-C-G.
Other names: c.3444C>G, p.Asn1148Lys (NM_018328.5); short protein forms N1148K, N1381K.
Identifiers: ClinVar variation 1352380 (VCV001352380.6), dbSNP rs758083193, ClinGen allele CA348728108.

ClinVar aggregate classification (germline): Uncertain significance (1 of 4 stars; one submission).

Conditions:
Intellectual developmental disorder, autosomal dominant 1. Also called: Intellectual disability, autosomal dominant 1; MBD5 Haploinsufficiency. Identifiers: Orphanet 228402, MedGen C1969562, MONDO:0007974, OMIM 156200.

gnomAD v4.1: 1 of 1,614,086 alleles (0.000062%); highest among the groups gnomAD compares: Non-Finnish European, 0.000085%; no homozygotes.

Submission:

Labcorp Genetics (formerly Invitae), Labcorp
Classification: Uncertain significance for Intellectual developmental disorder, autosomal dominant 1. Last evaluated: 2021-11-28. Review status: criteria provided, single submitter. Criteria: Invitae Variant Classification Sherloc (09022015). Collection method: clinical testing. Allele origin: germline.
Comment: In summary, the available evidence is currently insufficient to determine the role of this variant in disease. Therefore, it has been classified as a Variant of Uncertain Significance. Algorithms developed to predict the effect of missense changes on protein structure and function are either unavailable or do not agree on the potential impact of this missense change (SIFT: "Deleterious"; PolyPhen-2: "Not Available"; Align-GVGD: "Class C65"). This variant has not been reported in the literature in individuals affected with MBD5-related conditions. This variant is present in population databases (no rsID available, gnomAD 0.0009%). This sequence change replaces asparagine, which is neutral and polar, with lysine, which is basic and polar, at codon 1148 of the MBD5 protein (p.Asn1148Lys).